The following is an entry in ClinVar:

NM_001375524.1(TRRAP):c.7210G>A (p.Val2404Met)

Gene: TRRAP (transformation/transcription domain associated protein; plus strand). Cytogenetic location: 7q22.1.
Variant type: single nucleotide variant.
Coding change: c.7210G>A on transcript NM_001375524.1 (MANE Select); coding-DNA position 7210, G replaced by A.
Protein change: p.Val2404Met; replaces valine 2404 with methionine.
Molecular consequence: missense variant.
Genome position (GRCh38, 1-based): chr7:98,967,074, G>A. VCF-style: chr7-98967074-G-A. GRCh37 (hg19) VCF-style: chr7-98564697-G-A.
Other names: c.7189G>A, p.Val2397Met (NM_001244580.2); c.7135G>A, p.Val2379Met (NM_003496.4); short protein forms V2379M, V2397M, V2404M.
Identifiers: ClinVar variation 3346828 (VCV003346828.2).

ClinVar aggregate classification (germline): Uncertain significance. Review status: criteria provided, single submitter (1 of 4 stars). 2 submissions from 2 submitters: Uncertain significance (1). 1 of the submissions does not count toward it. Last evaluated 2025-11-13.

Conditions:
TRRAP-related disorder. Also called: TRRAP-related condition.

Submissions (2):

Labcorp Genetics (formerly Invitae), Labcorp
Classification: Uncertain significance. Last evaluated: 2025-11-13. Review status: criteria provided, single submitter. Criteria: Invitae Variant Classification Sherloc (09022015). Collection method: clinical testing. Allele origin: germline.
Comment: This sequence change replaces valine, which is neutral and non-polar, with methionine, which is neutral and non-polar, at codon 2379 of the TRRAP protein (p.Val2379Met). This variant is not present in population databases (gnomAD no frequency). This variant has not been reported in the literature in individuals affected with TRRAP-related conditions. ClinVar contains an entry for this variant (Variation ID: 3346828). Invitae Evidence Modeling of protein sequence and biophysical properties (such as structural, functional, and spatial information, amino acid conservation, physicochemical variation, residue mobility, and thermodynamic stability) indicates that this missense variant is not expected to disrupt TRRAP protein function with a negative predictive value of 80%. In summary, the available evidence is currently insufficient to determine the role of this variant in disease. Therefore, it has been classified as a Variant of Uncertain Significance.

PreventionGenetics, part of Exact Sciences
Classification: Uncertain significance for TRRAP-related condition. Last evaluated: 2024-06-18. Review status: no assertion criteria provided. Collection method: clinical testing. Allele origin: germline. Not counted in ClinVar's aggregate classification.
Comment: The TRRAP c.7135G>A variant is predicted to result in the amino acid substitution p.Val2379Met. To our knowledge, this variant has not been reported in the literature or in a large population database, indicating this variant is rare. At this time, the clinical significance of this variant is uncertain due to the absence of conclusive functional and genetic evidence.